The following is an entry in ClinVar:

ClinVar aggregate classification (germline): Uncertain significance (1 of 4 stars; one submission).

Conditions:
Long QT syndrome (LQTS). Identifiers: MedGen C0023976, MeSH D008133, MONDO:0002442. Disease mechanism: loss of function. Inheritance: Various modes of inheritance.

gnomAD v4.1: 1 of 1,550,182 alleles (0.000065%); highest among the groups gnomAD compares: South Asian, 0.0012%; no homozygotes.

Submission:

Labcorp Genetics (formerly Invitae), Labcorp
Classification: Uncertain significance for Long QT syndrome. Last evaluated: 2025-10-10. Review status: criteria provided, single submitter. Criteria: Invitae Variant Classification Sherloc (09022015). Collection method: clinical testing. Allele origin: germline.
Comment: This sequence change replaces glutamic acid, which is acidic and polar, with lysine, which is basic and polar, at codon 942 of the KCNH2 protein (p.Glu942Lys). This variant is not present in population databases (gnomAD no frequency). This variant has not been reported in the literature in individuals affected with KCNH2-related conditions. An algorithm developed to predict the effect of missense changes on protein structure and function (PolyPhen-2) suggests that this variant is likely to be tolerated. In summary, the available evidence is currently insufficient to determine the role of this variant in disease. Therefore, it has been classified as a Variant of Uncertain Significance.

NM_000238.4(KCNH2):c.2824G>A (p.Glu942Lys)

Gene: KCNH2 (potassium voltage-gated channel subfamily H member 2; minus strand). Cytogenetic location: 7q36.1.
Variant type: single nucleotide variant.
Coding change: c.2824G>A on transcript NM_000238.4 (MANE Select); coding-DNA position 2824, G replaced by A.
Protein change: p.Glu942Lys; replaces glutamic acid 942 with lysine.
Molecular consequence: missense variant.
Genome position (GRCh38, 1-based): chr7:150,947,747, C>T on the plus strand (G>A on the coding strand, the complement: KCNH2 is on the minus strand). VCF-style: chr7-150947747-C-T. GRCh37 (hg19) VCF-style: chr7-150644835-C-T.
Other names: c.2536G>A, p.Glu846Lys (NM_001406753.1); c.1804G>A, p.Glu602Lys (NM_172057.3); short protein forms E846K, E602K, E942K.
Identifiers: ClinVar variation 4750085 (VCV004750085.1).